The following is an entry in ClinVar:

NM_003001.5(SDHC):c.*39T>C

Gene: SDHC (succinate dehydrogenase complex subunit C; plus strand). Cytogenetic location: 1q23.3.
Variant type: single nucleotide variant.
Coding change: c.*39T>C on transcript NM_003001.5 (MANE Select); 39 bases downstream of the stop codon, T replaced by C.
Molecular consequence: 3 prime UTR variant. On other transcripts: missense variant (3), non-coding transcript variant (1).
Genome position (GRCh38, 1-based): chr1:161,362,472, T>C. VCF-style: chr1-161362472-T-C. GRCh37 (hg19) VCF-style: chr1-161332262-T-C.
Other names: c.385T>C, p.Tyr129His (NM_001035511.3); c.*39T>C (NM_001035512.3, NM_001035513.3, NM_001407115.1 and 5 more transcripts); c.283T>C, p.Tyr95His (NM_001278172.3); c.328T>C, p.Tyr110His (NM_001407121.1); short protein forms Y110H, Y129H, Y95H.
Identifiers: ClinVar variation 5029354 (VCV005029354.1).
Genomic context (GRCh38, chr1:161,362,472, plus strand): 5'-TATGGGGCTGGCAGCCATGTGAAGAAAGGAGGCTCCCAGCATCATCTTCCTACACATTAT[T>C]ACATTCACCCATCTTTCTGTTTGTCATTCTTATCTCCAGCCTGGGAAAAGTTCTCCTTAT-3'

ClinVar aggregate classification (germline): Uncertain significance (1 of 4 stars; one submission).

Conditions:
Hereditary cancer-predisposing syndrome. Also called: Neoplastic Syndromes, Hereditary; Tumor predisposition; Hereditary neoplastic syndrome; Hereditary Cancer Syndrome. Identifiers: Orphanet 140162, MedGen C0027672, MeSH D009386, MONDO:0015356.

Submission:

Ambry Genetics
Classification: Uncertain significance for Hereditary cancer-predisposing syndrome. Last evaluated: 2026-07-07. Review status: criteria provided, single submitter. Criteria: Ambry Variant Classification Scheme 2023. Collection method: clinical testing. Allele origin: germline.
Comment: The p.Y129H variant (also known as c.385T>C), located in coding exon 5 of the SDHC gene, results from a T to C substitution at nucleotide position 385. The tyrosine at codon 129 is replaced by histidine, an amino acid with similar properties. This amino acid position is conserved. In addition, this alteration is predicted to be tolerated by in silico analysis. Based on the available evidence, the clinical significance of this variant remains unclear.